The following is an entry in ClinVar:

ClinVar aggregate classification (germline): Uncertain significance (1 of 4 stars; one submission).

Allele frequency attached by ClinVar (database versions not stated): ExAC 0.00001; gnomAD exomes 0.00001 and 0.00002; TOPMed 0.00001; gnomAD 0.00002.
gnomAD v4.1: 12 of 1,613,752 alleles (0.00074%); highest among the groups gnomAD compares: East Asian, 0.0067%; no homozygotes.

Submission:

Labcorp Genetics (formerly Invitae), Labcorp
Classification: Uncertain significance. Last evaluated: 2021-08-14. Review status: criteria provided, single submitter. Criteria: Invitae Variant Classification Sherloc (09022015). Collection method: clinical testing. Allele origin: germline.
Comment: This variant is present in population databases (rs750397194, ExAC 0.006%). This sequence change replaces threonine with methionine at codon 1865 of the SPEG protein (p.Thr1865Met). The threonine residue is highly conserved and there is a moderate physicochemical difference between threonine and methionine. This variant has not been reported in the literature in individuals affected with SPEG-related conditions. In summary, the available evidence is currently insufficient to determine the role of this variant in disease. Therefore, it has been classified as a Variant of Uncertain Significance. Algorithms developed to predict the effect of missense changes on protein structure and function are either unavailable or do not agree on the potential impact of this missense change (SIFT: "Deleterious"; PolyPhen-2: "Probably Damaging"; Align-GVGD: "Class C0").

NM_005876.5(SPEG):c.5594C>T (p.Thr1865Met)

Genes: ASIC4-AS1 (ASIC4 antisense RNA 1; minus strand), SPEG (striated muscle enriched protein kinase; plus strand). Cytogenetic location: 2q35.
Variant type: single nucleotide variant.
Coding change: c.5594C>T on transcript NM_005876.5 (MANE Select); coding-DNA position 5594, C replaced by T.
Protein change: p.Thr1865Met; replaces threonine 1865 with methionine.
Molecular consequence: missense variant.
Genome position (GRCh38, 1-based): chr2:219,482,812, C>T. VCF-style: chr2-219482812-C-T. GRCh37 (hg19) VCF-style: chr2-220347534-C-T.
Other names: short protein forms T1865M.
Identifiers: ClinVar variation 1352194 (VCV001352194.5), dbSNP rs750397194, ClinGen allele CA2126890.